The following is an entry in ClinVar:

NM_014014.5(SNRNP200):c.5386C>T (p.Leu1796=)

Gene: SNRNP200 (small nuclear ribonucleoprotein U5 subunit 200; minus strand). Cytogenetic location: 2q11.2.
Variant type: single nucleotide variant.
Coding change: c.5386C>T on transcript NM_014014.5 (MANE Select); coding-DNA position 5386, C replaced by T.
Protein change: p.Leu1796=; no amino-acid change (leucine 1796 retained).
Molecular consequence: synonymous variant.
Genome position (GRCh38, 1-based): chr2:96,278,649, G>A on the plus strand (C>T on the coding strand, the complement: SNRNP200 is on the minus strand). VCF-style: chr2-96278649-G-A. GRCh37 (hg19) VCF-style: chr2-96944387-G-A.
Identifiers: ClinVar variation 337535 (VCV000337535.16), dbSNP rs34435094, ClinGen allele CA1777984.

ClinVar aggregate classification (germline): Benign. Review status: criteria provided, multiple submitters, no conflicts (2 of 4 stars). 3 submissions from 3 submitters: Benign (3). Last evaluated 2026-01-27.

Conditions:
Retinitis pigmentosa (RP). Identifiers: Orphanet 791, MedGen C0035334, MeSH D012174, MONDO:0019200, OMIM 268000. Inheritance: Autosomal dominant, autosomal recessive and X linked inheritance.

Allele frequency attached by ClinVar (database versions not stated): gnomAD exomes 0.00240 and 0.00630; ExAC 0.00800; gnomAD 0.02454 and 0.02646; 1000 Genomes Project 0.02676; TOPMed 0.02754; 1000 Genomes Project 30x 0.02967; ESP Exome Variant Server 0.02999.
gnomAD v4.1: 7,313 of 1,614,202 alleles (0.45%); highest among the groups gnomAD compares: African/African-American, 8.8%; 300 homozygotes.

Submissions (3):

Labcorp Genetics (formerly Invitae), Labcorp
Classification: Benign. Last evaluated: 2026-01-27. Review status: criteria provided, single submitter. Criteria: Invitae Variant Classification Sherloc (09022015). Collection method: clinical testing. Allele origin: germline.

Illumina Laboratory Services, Illumina
Classification: Benign for Retinitis pigmentosa. Last evaluated: 2018-01-12. Review status: criteria provided, single submitter. Criteria: ICSL Variant Classification Criteria 13 December 2019. Collection method: clinical testing. Allele origin: germline.
Comment: This variant was observed in the ICSL laboratory as part of a predisposition screen in an ostensibly healthy population. It had not been previously curated by ICSL or reported in the Human Gene Mutation Database (HGMD: prior to June 1st, 2018), and was therefore a candidate for classification through an automated scoring system. Utilizing variant allele frequency, disease prevalence and penetrance estimates, and inheritance mode, an automated score was calculated to assess if this variant is too frequent to cause the disease. Based on the score and internal cut-off values, a variant classified as benign is not then subjected to further curation. The score for this variant resulted in a classification of benign for this disease.

Breakthrough Genomics
Classification: Benign. Review status: criteria provided, single submitter. Criteria: ACMG Guidelines, 2015. Collection method: not provided. Allele origin: germline. Inheritance: Unknown mechanism. Affected: yes.